The following is an entry in ClinVar:

NM_014396.4(VPS41):c.1989_2001del (p.Met663fs)

Gene: VPS41 (VPS41 subunit of HOPS complex; minus strand). Cytogenetic location: 7p14.1.
Variant type: Deletion.
Coding change: c.1989_2001del on transcript NM_014396.4 (MANE Select); coding-DNA positions 1989 to 2001, 13 bases deleted (GGGTAATAGCCGA).
Protein change: p.Met663fs; shifts the reading frame from methionine 663.
Molecular consequence: frameshift variant.
Genome position (GRCh38, 1-based): chr7:38,743,523-38,743,535, TCGGCTATTACCC deleted on the plus strand (GGGTAATAGCCGA on the coding strand, the reverse complement: VPS41 is on the minus strand). VCF-style (leftmost placement, unchanged base first): chr7-38743522-TTCGGCTATTACCC-T. GRCh37 (hg19) VCF-style: chr7-38783122-TTCGGCTATTACCC-T.
Other names: c.1914_1926del, p.Met638fs (NM_080631.4); short protein forms M638fs, M663fs.
Identifiers: ClinVar variation 4850650 (VCV004850650.1).

ClinVar aggregate classification (germline): Likely pathogenic (1 of 4 stars; one submission).

Conditions:
Spinocerebellar ataxia, autosomal recessive 29. Also called: BARAKAT-VAN HAM-KAYA SYNDROME; NEURODEVELOPMENTAL DISORDER WITH HYPOTONIA AND CEREBELLAR ATAXIA. Identifiers: MedGen C5543595, MONDO:0030312, OMIM 619389.

Submission:

First Genomix Gene Laboratory, Genetic Diagnostics Department
Classification: Likely pathogenic for Spinocerebellar ataxia, autosomal recessive 29. Last evaluated: 2025-07-31. Review status: criteria provided, single submitter. Criteria: ACMG Guidelines, 2015. Collection method: clinical testing. Allele origin: germline. Inheritance: Autosomal recessive inheritance. Affected: no. Observed: 1 variant allele.